The following is an entry in ClinVar:

NM_004385.5(VCAN):c.6173C>G (p.Ser2058Cys)

Genes: VCAN (versican; plus strand), VCAN-AS1 (VCAN antisense RNA 1; minus strand). Cytogenetic location: 5q14.3.
Variant type: single nucleotide variant.
Coding change: c.6173C>G on transcript NM_004385.5 (MANE Select); coding-DNA position 6173, C replaced by G.
Protein change: p.Ser2058Cys; replaces serine 2058 with cysteine.
Molecular consequence: missense variant. On other transcripts: intron variant (2).
Genome position (GRCh38, 1-based): chr5:83,539,176, C>G. VCF-style: chr5-83539176-C-G. GRCh37 (hg19) VCF-style: chr5-82834995-C-G.
Other names: c.3212C>G, p.Ser1071Cys (NM_001164097.2); c.4004-6361C>G (NM_001164098.2); c.1043-6361C>G (NM_001126336.3); short protein forms S2058C, S1071C.
Identifiers: ClinVar variation 1524178 (VCV001524178.6), dbSNP rs2112444188, ClinGen allele CA360311976.

ClinVar aggregate classification (germline): Uncertain significance (1 of 4 stars; one submission).

Submission:

Labcorp Genetics (formerly Invitae), Labcorp
Classification: Uncertain significance. Last evaluated: 2021-08-19. Review status: criteria provided, single submitter. Criteria: Invitae Variant Classification Sherloc (09022015). Collection method: clinical testing. Allele origin: germline.
Comment: In summary, the available evidence is currently insufficient to determine the role of this variant in disease. Therefore, it has been classified as a Variant of Uncertain Significance. Algorithms developed to predict the effect of missense changes on protein structure and function are either unavailable or do not agree on the potential impact of this missense change (SIFT: "Deleterious"; PolyPhen-2: "Possibly Damaging"; Align-GVGD: "Class C15"). This variant has not been reported in the literature in individuals affected with VCAN-related conditions. This variant is not present in population databases (ExAC no frequency). This sequence change replaces serine with cysteine at codon 2058 of the VCAN protein (p.Ser2058Cys). The serine residue is moderately conserved and there is a moderate physicochemical difference between serine and cysteine.